The following is an entry in ClinVar:

ClinVar aggregate classification (germline): Uncertain significance (1 of 4 stars; one submission).

Conditions:
Legius syndrome. Identifiers: Orphanet 137605, MedGen C1969623, MONDO:0012669, OMIM 611431. Disease mechanism: loss of function.

Allele frequency attached by ClinVar (database versions not stated): gnomAD exomes below 0.00001; ExAC 0.00001; TOPMed 0.00003; gnomAD 0.00005 and 0.00006.
gnomAD v4.1: 11 of 1,614,072 alleles (0.00068%); highest among the groups gnomAD compares: African/African-American, 0.015%; no homozygotes.

Submission:

Labcorp Genetics (formerly Invitae), Labcorp
Classification: Uncertain significance for Legius syndrome. Last evaluated: 2025-07-30. Review status: criteria provided, single submitter. Criteria: Invitae Variant Classification Sherloc (09022015). Collection method: clinical testing. Allele origin: germline.
Comment: This sequence change replaces methionine, which is neutral and non-polar, with leucine, which is neutral and non-polar, at codon 369 of the SPRED1 protein (p.Met369Leu). This variant is present in population databases (rs779660163, gnomAD 0.01%). This variant has not been reported in the literature in individuals affected with SPRED1-related conditions. ClinVar contains an entry for this variant (Variation ID: 1380570). Invitae Evidence Modeling of protein sequence and biophysical properties (such as structural, functional, and spatial information, amino acid conservation, physicochemical variation, residue mobility, and thermodynamic stability) indicates that this missense variant is not expected to disrupt SPRED1 protein function with a negative predictive value of 80%. In summary, the available evidence is currently insufficient to determine the role of this variant in disease. Therefore, it has been classified as a Variant of Uncertain Significance.

NM_152594.3(SPRED1):c.1105A>T (p.Met369Leu)

Gene: SPRED1 (sprouty related EVH1 domain containing 1; plus strand). Cytogenetic location: 15q14.
Variant type: single nucleotide variant.
Coding change: c.1105A>T on transcript NM_152594.3 (MANE Select); coding-DNA position 1105, A replaced by T.
Protein change: p.Met369Leu; replaces methionine 369 with leucine.
Molecular consequence: missense variant.
Genome position (GRCh38, 1-based): chr15:38,351,434, A>T. VCF-style: chr15-38351434-A-T. GRCh37 (hg19) VCF-style: chr15-38643635-A-T.
Other names: short protein forms M369L.
Identifiers: ClinVar variation 1380570 (VCV001380570.8), dbSNP rs779660163, ClinGen allele CA7470232.
Genomic context (GRCh38, chr15:38,351,434, plus strand): 5'-AGGGGAAAATGTCAGGATGCTCCAGACCCTATTAAAAGATGCATATATCAAGTTAGTTGC[A>T]TGCTCTGTGCAGAGAGCATGTTGTATCATTGTATGTCAGACTCAGAGGGAGATTTTTCTG-3'
Protein context (NP_689807.1, residues 359-379): IKRCIYQVSC[Met369Leu]LCAESMLYHC